The following is an entry in ClinVar:

NM_014244.5(ADAMTS2):c.892-48C>T

Gene: ADAMTS2 (ADAM metallopeptidase with thrombospondin type 1 motif 2; minus strand). Cytogenetic location: 5q35.3.
Variant type: single nucleotide variant.
Coding change: c.892-48C>T on transcript NM_014244.5 (MANE Select); 48 bases into the intron before coding-DNA position 892, C replaced by T.
Molecular consequence: intron variant.
Genome position (GRCh38, 1-based): chr5:179,181,203, G>A on the plus strand (C>T on the coding strand, the complement: ADAMTS2 is on the minus strand). VCF-style: chr5-179181203-G-A. GRCh37 (hg19) VCF-style: chr5-178608204-G-A.
Other names: c.892-48C>T (NM_021599.4).
Identifiers: ClinVar variation 679637 (VCV000679637.1), dbSNP rs78222573, ClinGen allele CA3596113.

ClinVar aggregate classification (germline): Likely benign (1 of 4 stars; one submission).

Allele frequency attached by ClinVar (database versions not stated): 1000 Genomes Project 30x 0.00656; 1000 Genomes Project 0.00679; TOPMed 0.01308; gnomAD 0.01324 and 0.01348; gnomAD exomes 0.01332 and 0.01922; ExAC 0.01355; ESP Exome Variant Server 0.01630.
gnomAD v4.1: 25,189 of 1,364,138 alleles (1.8%); highest among the groups gnomAD compares: Non-Finnish European, 2.3%; 285 homozygotes.

Submission:

GeneDx
Classification: Likely benign. Last evaluated: 2018-06-19. Review status: criteria provided, single submitter. Criteria: GeneDx Variant Classification (06012015). Collection method: clinical testing. Allele origin: germline. Affected: yes.
Comment: This variant is considered likely benign or benign based on one or more of the following criteria: it is a conservative change, it occurs at a poorly conserved position in the protein, it is predicted to be benign by multiple in silico algorithms, and/or has population frequency not consistent with disease.